The following is an entry in ClinVar:

ClinVar aggregate classification (germline): Benign/Likely benign. Review status: criteria provided, multiple submitters, no conflicts (2 of 4 stars). 3 submissions from 3 submitters: Benign (1); Likely benign (2). Last evaluated 2025-01-13.

Conditions:
Hereditary cancer-predisposing syndrome. Also called: Tumor predisposition; Hereditary neoplastic syndrome; Neoplastic Syndromes, Hereditary; Hereditary Cancer Syndrome. Identifiers: Orphanet 140162, MedGen C0027672, MeSH D009386, MONDO:0015356.
Familial cancer of breast. Also called: hereditary breast carcinoma; Hereditary breast cancer; BREAST CANCER, FAMILIAL. Identifiers: Orphanet 227535, MedGen C0346153, MONDO:0016419, OMIM 114480. Disease mechanism: loss of function.

Allele frequency attached by ClinVar (database versions not stated): gnomAD exomes below 0.00001.
gnomAD v4.1: 1 of 1,614,232 alleles (0.000062%); highest among the groups gnomAD compares: Non-Finnish European, 0.000085%; no homozygotes.

Submissions (3):

Myriad Genetics, Inc.
Classification: Benign for Familial cancer of breast. Last evaluated: 2025-01-13. Review status: criteria provided, single submitter. Criteria: Myriad Autosomal Dominant, Autosomal Recessive and X-Linked Classification Criteria (2023). Collection method: clinical testing. Allele origin: unknown.
Comment: This variant is considered benign. This variant is a silent/synonymous amino acid change and it is not expected to impact splicing.

Labcorp Genetics (formerly Invitae), Labcorp
Classification: Likely benign for Familial cancer of breast. Last evaluated: 2024-04-29. Review status: criteria provided, single submitter. Criteria: Invitae Variant Classification Sherloc (09022015). Collection method: clinical testing. Allele origin: germline.

Ambry Genetics
Classification: Likely benign for Hereditary cancer-predisposing syndrome. Last evaluated: 2018-10-23. Review status: criteria provided, single submitter. Criteria: Ambry Variant Classification Scheme 2023. Collection method: clinical testing. Allele origin: germline.

NM_024675.4(PALB2):c.1404A>G (p.Thr468=)

Gene: PALB2 (partner and localizer of BRCA2; minus strand). Cytogenetic location: 16p12.2.
Variant type: single nucleotide variant.
Coding change: c.1404A>G on transcript NM_024675.4 (MANE Select); coding-DNA position 1404, A replaced by G.
Protein change: p.Thr468=; no amino-acid change (threonine 468 retained).
Molecular consequence: synonymous variant.
Genome position (GRCh38, 1-based): chr16:23,635,142, T>C on the plus strand (A>G on the coding strand, the complement: PALB2 is on the minus strand). VCF-style: chr16-23635142-T-C. GRCh37 (hg19) VCF-style: chr16-23646463-T-C.
Identifiers: ClinVar variation 819097 (VCV000819097.15), dbSNP rs1567221054, ClinGen allele CA494461482.